The following is an entry in ClinVar:

NM_001184.4(ATR):c.2634-1G>A

Gene: ATR (ATR checkpoint kinase; minus strand). Cytogenetic location: 3q23.
Variant type: single nucleotide variant.
Coding change: c.2634-1G>A on transcript NM_001184.4 (MANE Select); the canonical splice acceptor site of the intron before coding-DNA position 2634, G replaced by A.
Molecular consequence: splice acceptor variant.
Genome position (GRCh38, 1-based): chr3:142,553,399, C>T on the plus strand (G>A on the coding strand, the complement: ATR is on the minus strand). VCF-style: chr3-142553399-C-T. GRCh37 (hg19) VCF-style: chr3-142272241-C-T.
Other names: c.2442-1G>A (NM_001354579.2).
Identifiers: ClinVar variation 632402 (VCV000632402.27), dbSNP rs372271245, ClinGen allele CA2650302.

ClinVar aggregate classification (germline): Likely pathogenic. Review status: criteria provided, multiple submitters, no conflicts (2 of 4 stars). 2 submissions from 2 submitters: Likely pathogenic (2). Last evaluated 2025-07-08.

Allele frequency attached by ClinVar (database versions not stated): gnomAD exomes below 0.00001 and 0.00002; gnomAD 0.00001 and 0.00003; ExAC 0.00002; TOPMed 0.00003; ESP Exome Variant Server 0.00008.
gnomAD v4.1: 32 of 1,612,468 alleles (0.002%); highest among the groups gnomAD compares: Non-Finnish European, 0.0025%; no homozygotes.

Submissions (2):

Labcorp Genetics (formerly Invitae), Labcorp
Classification: Likely pathogenic. Last evaluated: 2025-07-08. Review status: criteria provided, single submitter. Criteria: Invitae Variant Classification Sherloc (09022015). Collection method: clinical testing. Allele origin: germline.
Comment: This sequence change affects an acceptor splice site in intron 12 of the ATR gene. It is expected to disrupt RNA splicing. Variants that disrupt the donor or acceptor splice site typically lead to a loss of protein function (PMID: 16199547), and loss-of-function variants in ATR are known to be pathogenic (PMID: 21228398, 23144622). This variant is present in population databases (rs372271245, gnomAD 0.002%). Disruption of this splice site has been observed in individual(s) with breast cancer and/or prostate cancer (PMID: 26689913, 29439820, 36451132). ClinVar contains an entry for this variant (Variation ID: 632402). Algorithms developed to predict the effect of sequence changes on RNA splicing suggest that this variant may disrupt the consensus splice site. In summary, the currently available evidence indicates that the variant is pathogenic, but additional data are needed to prove that conclusively. Therefore, this variant has been classified as Likely Pathogenic.

CeGaT Center for Human Genetics Tuebingen
Classification: Likely pathogenic. Last evaluated: 2025-01-01. Review status: criteria provided, single submitter. Criteria: CeGaT Center For Human Genetics Tuebingen Variant Classification Criteria Version 2. Collection method: clinical testing. Allele origin: germline. Affected: yes. Observed: 1 variant allele.
Comment: ATR: PVS1:Strong, PM2

Literature cited by the submitters: PubMed 16199547 (cited by Labcorp Genetics (formerly Invitae), Labcorp); PubMed 21228398 (cited by Labcorp Genetics (formerly Invitae), Labcorp); PubMed 23144622 (cited by Labcorp Genetics (formerly Invitae), Labcorp); PubMed 26689913 (cited by Labcorp Genetics (formerly Invitae), Labcorp); PubMed 29439820 (cited by Labcorp Genetics (formerly Invitae), Labcorp); PubMed 36451132 (cited by Labcorp Genetics (formerly Invitae), Labcorp).